The following is an entry in ClinVar:

ClinVar aggregate classification (germline): Benign. Review status: criteria provided, single submitter (1 of 4 stars). 2 submissions from 2 submitters: Benign (1). 1 of the submissions does not count toward it. Last evaluated 2026-01-19.

Conditions:
MESP1-related disorder. Also called: MESP1-related condition.

Allele frequency attached by ClinVar (database versions not stated): gnomAD exomes 0.00144; ExAC 0.00434; ESP Exome Variant Server 0.00614; gnomAD 0.00823 and 0.00889; TOPMed 0.01011; 1000 Genomes Project 0.01158; 1000 Genomes Project 30x 0.01171.
gnomAD v4.1: 2,221 of 1,502,658 alleles (0.15%); highest among the groups gnomAD compares: African/African-American, 2.8%; 29 homozygotes.

Submissions (2):

Labcorp Genetics (formerly Invitae), Labcorp
Classification: Benign. Last evaluated: 2026-01-19. Review status: criteria provided, single submitter. Criteria: Invitae Variant Classification Sherloc (09022015). Collection method: clinical testing. Allele origin: germline.

PreventionGenetics, part of Exact Sciences
Classification: Benign for MESP1-related condition. Last evaluated: 2019-04-01. Review status: no assertion criteria provided. Collection method: clinical testing. Allele origin: germline. Not counted in ClinVar's aggregate classification.
Comment: This variant is classified as benign based on ACMG/AMP sequence variant interpretation guidelines (Richards et al. 2015 PMID: 25741868, with internal and published modifications).

NM_018670.4(MESP1):c.453C>G (p.Cys151Trp)

Genes: MESP1 (mesoderm posterior bHLH transcription factor 1; minus strand), LOC130057888 (ATAC-STARR-seq lymphoblastoid silent region 6803; plus strand). Cytogenetic location: 15q26.1.
Variant type: single nucleotide variant.
Coding change: c.453C>G on transcript NM_018670.4 (MANE Select); coding-DNA position 453, C replaced by G.
Protein change: p.Cys151Trp; replaces cysteine 151 with tryptophan.
Molecular consequence: missense variant.
Genome position (GRCh38, 1-based): chr15:89,750,779, G>C on the plus strand (C>G on the coding strand, the complement: MESP1 is on the minus strand). VCF-style: chr15-89750779-G-C. GRCh37 (hg19) VCF-style: chr15-90294010-G-C.
Other names: c.453C>G (NM_018670.3); short protein forms C151W.
Identifiers: ClinVar variation 1574446 (VCV001574446.10), dbSNP rs182046642, ClinGen allele CA7730196.
Genomic context (GRCh38, chr15:89,750,779, plus strand): 5'-GGGGCAGTCGTCGGGGCACAGCGGGCAGCCCCGAGGGGACCCCGCGTCACCGCGCTGCCG[G>C]CACCGGCGCTGGAGACTCTCCTCGCTGAGGCCTAGCACGGCCGACAGGTGGCCGATATAG-3'
Protein context (NP_061140.1, residues 141-161): GLSEESLQRR[Cys151Trp]RQRGDAGSPR